The following is an entry in ClinVar:

ClinVar aggregate classification (germline): Uncertain significance (1 of 4 stars; one submission).

Submission:

Labcorp Genetics (formerly Invitae), Labcorp
Classification: Uncertain significance. Last evaluated: 2023-12-18. Review status: criteria provided, single submitter. Criteria: Invitae Variant Classification Sherloc (09022015). Collection method: clinical testing. Allele origin: germline.
Comment: This variant, c.7227_7235del, results in the deletion of 3 amino acid(s) of the PCLO protein (p.Pro2424_Pro2426del), but otherwise preserves the integrity of the reading frame. This variant is not present in population databases (gnomAD no frequency). This variant has not been reported in the literature in individuals affected with PCLO-related conditions. Experimental studies and prediction algorithms are not available or were not evaluated, and the functional significance of this variant is currently unknown. In summary, the available evidence is currently insufficient to determine the role of this variant in disease. Therefore, it has been classified as a Variant of Uncertain Significance.

NM_033026.6(PCLO):c.7218TCCCCCTCC[1] (p.Pro2424_Pro2426del)

Gene: PCLO (piccolo presynaptic cytomatrix protein; minus strand). Cytogenetic location: 7q21.11.
Variant type: Microsatellite.
Coding change: c.7218TCCCCCTCC[1] on transcript NM_033026.6 (MANE Select); one copy of the 9-base unit TCCCCCTCC starting at c.7218; the reference has two copies in a row; one copy, 9 bases deleted.
Protein change: p.Pro2424_Pro2426del.
Molecular consequence: inframe deletion.
Genome position (GRCh38, 1-based): chr7:82,953,718-82,953,726, GGAGGGGGA deleted on the plus strand (TCCCCCTCC on the coding strand, the reverse complement: PCLO is on the minus strand); deleting any 9 consecutive bases within chr7:82,953,718-82,953,740 gives the same sequence; the position shown is the placement nearest the transcript's 3' end. VCF-style (leftmost placement, unchanged base first): chr7-82953717-GGGAGGGGGA-G. GRCh37 (hg19) VCF-style: chr7-82583033-GGGAGGGGGA-G.
Other names: c.7218TCCCCCTCC[1], p.Pro2424_Pro2426del (NM_014510.3).
Identifiers: ClinVar variation 2103659 (VCV002103659.2), dbSNP rs1562880159, ClinGen allele CA2580615904.